The following is an entry in ClinVar:

NM_000159.4(GCDH):c.167T>G (p.Leu56Arg)

Genes: GCDH (glutaryl-CoA dehydrogenase; plus strand), LOC117125594 (CRISPRi-FlowFISH-validated KLF1 regulatory element; plus strand). Cytogenetic location: 19p13.13.
Variant type: single nucleotide variant.
Coding change: c.167T>G on transcript NM_000159.4 (MANE Select); coding-DNA position 167, T replaced by G.
Protein change: p.Leu56Arg; replaces leucine 56 with arginine.
Molecular consequence: missense variant. On other transcripts: non-coding transcript variant (2).
Genome position (GRCh38, 1-based): chr19:12,891,870, T>G. VCF-style: chr19-12891870-T-G. GRCh37 (hg19) VCF-style: chr19-13002684-T-G.
Other names: c.167T>G, p.Leu56Arg (NM_013976.5); short protein forms L56R.
Identifiers: ClinVar variation 3677176 (VCV003677176.2).

ClinVar aggregate classification (germline): Pathogenic (1 of 4 stars; one submission).

Conditions:
Glutaric aciduria, type 1. Also called: Glutaricaciduria, type I; Glutaric Acidemia Type 1; Glutaryl-CoA dehydrogenase deficiency; Glutaric acidemia type I; GA I; Glutaricacidemia Type 1. Identifiers: Orphanet 25, MedGen C0268595, MONDO:0009281, OMIM 231670.

Submission:

Labcorp Genetics (formerly Invitae), Labcorp
Classification: Pathogenic for Glutaric aciduria, type 1. Last evaluated: 2024-03-01. Review status: criteria provided, single submitter. Criteria: Invitae Variant Classification Sherloc (09022015). Collection method: clinical testing. Allele origin: germline.
Comment: This sequence change replaces leucine, which is neutral and non-polar, with arginine, which is basic and polar, at codon 56 of the GCDH protein (p.Leu56Arg). This variant is not present in population databases (gnomAD no frequency). This missense change has been observed in individual(s) with glutaric acidemia type 1 (PMID: 33064266). Advanced modeling of protein sequence and biophysical properties (such as structural, functional, and spatial information, amino acid conservation, physicochemical variation, residue mobility, and thermodynamic stability) performed at Invitae indicates that this missense variant is expected to disrupt GCDH protein function with a positive predictive value of 95%. This variant disrupts the p.Leu56 amino acid residue in GCDH. Other variant(s) that disrupt this residue have been determined to be pathogenic (Invitae). This suggests that this residue is clinically significant, and that variants that disrupt this residue are likely to be disease-causing. For these reasons, this variant has been classified as Pathogenic.

Literature cited by the submitters: PubMed 33064266.